The following is an entry in ClinVar:

NM_000550.3(TYRP1):c.1565A>C (p.Tyr522Ser)

Genes: LURAP1L-AS1 (LURAP1L antisense RNA 1; minus strand), TYRP1 (tyrosinase related protein 1; plus strand). Cytogenetic location: 9p23.
Variant type: single nucleotide variant.
Coding change: c.1565A>C on transcript NM_000550.3 (MANE Select); coding-DNA position 1565, A replaced by C.
Protein change: p.Tyr522Ser; replaces tyrosine 522 with serine.
Molecular consequence: missense variant.
Genome position (GRCh38, 1-based): chr9:12,709,133, A>C. VCF-style: chr9-12709133-A-C. GRCh37 (hg19) VCF-style: chr9-12709133-A-C.
Other names: short protein forms Y522S.
Identifiers: ClinVar variation 3233895 (VCV003233895.2), dbSNP rs188236569, ClinGen allele CA4985626.

ClinVar aggregate classification (germline): Uncertain significance (1 of 4 stars; one submission).

gnomAD v4.1: 3 of 1,612,676 alleles (0.00019%); highest among the groups gnomAD compares: South Asian, 0.0033%; no homozygotes.

Submission:

Women's Health and Genetics/Laboratory Corporation of America, LabCorp
Classification: Uncertain significance. Last evaluated: 2024-03-18. Review status: criteria provided, single submitter. Criteria: LabCorp Variant Classification Summary - May 2015. Collection method: clinical testing. Allele origin: germline.
Comment: Variant summary: TYRP1 c.1565A>C (p.Tyr522Ser) results in a non-conservative amino acid change in the encoded protein sequence. Five of five in-silico tools predict a damaging effect of the variant on protein function. The variant allele was found at a frequency of 8e-06 in 250696 control chromosomes. The available data on variant occurrences in the general population are insufficient to allow any conclusion about variant significance. c.1565A>C has been reported in the literature in individual(s) affected with Glaucoma (example, Narta_2023) . These report(s) do not provide unequivocal conclusions about association of the variant with Oculocutaneous albinism type 3. To our knowledge, no experimental evidence demonstrating an impact on protein function has been reported. The following publication have been ascertained in the context of this evaluation (PMID: 36833422). No submitters have cited clinical-significance assessments for this variant to ClinVar. Based on the evidence outlined above, the variant was classified as uncertain significance.

Literature cited by the submitters: PubMed 36833422.